The following is an entry in ClinVar:

ClinVar aggregate classification (germline): Likely pathogenic (1 of 4 stars; one submission).

Conditions:
Glycogen storage disease, type VII (GSD7). Also called: PFKM DEFICIENCY; TARUI DISEASE; GSD VII; MUSCLE PHOSPHOFRUCTOKINASE DEFICIENCY. Identifiers: Orphanet 371, MedGen C0017926, MONDO:0009295, OMIM 232800.

Submission:

Myriad Genetics, Inc.
Classification: Likely pathogenic for Glycogen storage disease, type VII. Last evaluated: 2022-01-02. Review status: criteria provided, single submitter. Criteria: Myriad Women's Health Autosomal Recessive and X-Linked Classification Criteria (2021). Collection method: clinical testing. Allele origin: unknown.
Comment: NM_001166686.1(PFKM):c.795delC(T266Lfs*11) is expected to be pathogenic in the context of glycogen storage disease type VII. This variant is predicted to lead to an abnormal or absent protein product due to the creation of a premature termination codon in PFKM, a gene where loss-of-function variants are known to be pathogenic. Please note: this variant was assessed in the context of healthy population screening.

NM_000289.6(PFKM):c.582del (p.Thr195fs)

Gene: PFKM (phosphofructokinase, muscle; plus strand). Cytogenetic location: 12q13.11.
Variant type: Deletion.
Coding change: c.582del on transcript NM_000289.6 (MANE Select); coding-DNA position 582, one base deleted (C; older notation c.582delC).
Protein change: p.Thr195fs; shifts the reading frame from threonine 195.
Molecular consequence: frameshift variant. On other transcripts: non-coding transcript variant (6).
Genome position (GRCh38, 1-based): chr12:48,133,469, C deleted; the last of 2 consecutive C bases (chr12:48,133,468-48,133,469); deleting either gives the same sequence. VCF-style (leftmost placement, unchanged base first): chr12-48133467-AC-A. GRCh37 (hg19) VCF-style: chr12-48527250-AC-A.
Other names: c.795del, p.Thr266fs (NM_001166686.2, NM_001354737.1, NM_001354738.1 and 1 more transcripts); c.582del, p.Thr195fs (NM_001166687.2, NM_001166688.2, NM_001354742.2 and 4 more transcripts); c.891del, p.Thr298fs (NM_001354735.1, NM_001354736.1); c.726del, p.Thr243fs (NM_001354740.1); c.606del, p.Thr203fs (NM_001354741.2); c.495del, p.Thr166fs (NM_001354745.2); c.432del, p.Thr145fs (NM_001354747.2, NM_001354748.2); short protein forms T145fs, T166fs, T195fs, T203fs, T243fs, T266fs, T298fs.
Identifiers: ClinVar variation 1726952 (VCV001726952.2), dbSNP rs2498315257, ClinGen allele CA2580085493.